The following is an entry in ClinVar:

ClinVar aggregate classification (germline): Conflicting classifications of pathogenicity. Review status: criteria provided, conflicting classifications (1 of 4 stars). 7 submissions from 7 submitters: Uncertain significance (4); Likely benign (1). 2 of the submissions do not count toward it. Last evaluated 2026-01-24.

Conditions:
Inborn genetic diseases. Identifiers: MedGen C0950123, MeSH D030342.
Progressive microcephaly-seizures-cortical blindness-developmental delay syndrome. Also called: Seizures, cortical blindness, and microcephaly syndrome. Identifiers: Orphanet 477814, MedGen C5567650, MONDO:0014714, OMIM 616632.
Autosomal dominant nonsyndromic hearing loss 1. Also called: KONIGSMARK SYNDROME; DEAFNESS, AUTOSOMAL DOMINANT 1, WITH OR WITHOUT THROMBOCYTOPENIA. Identifiers: Orphanet 90635, MedGen C1852282, MONDO:0007424, OMIM 124900.

Allele frequency attached by ClinVar (database versions not stated): gnomAD 0.00014 and 0.00015; gnomAD exomes 0.00017 and 0.00013; ExAC 0.00026.
gnomAD v4.1: 205 of 1,537,206 alleles (0.013%); highest among the groups gnomAD compares: Middle Eastern, 0.017%; no homozygotes.

Submissions (7):

Labcorp Genetics (formerly Invitae), Labcorp
Classification: Uncertain significance for Progressive microcephaly-seizures-cortical blindness-developmental delay syndrome; Autosomal dominant nonsyndromic hearing loss 1. Last evaluated: 2026-01-24. Review status: criteria provided, single submitter. Criteria: Invitae Variant Classification Sherloc (09022015). Collection method: clinical testing. Allele origin: germline.
Comment: This sequence change replaces proline, which is neutral and non-polar, with alanine, which is neutral and non-polar, at codon 703 of the DIAPH1 protein (p.Pro703Ala). This variant is present in population databases (rs201433617, gnomAD 0.03%). This variant has not been reported in the literature in individuals affected with DIAPH1-related conditions. ClinVar contains an entry for this variant (Variation ID: 228575). Experimental studies and prediction algorithms are not available or were not evaluated, and the functional significance of this variant is currently unknown. In summary, the available evidence is currently insufficient to determine the role of this variant in disease. Therefore, it has been classified as a Variant of Uncertain Significance.

GeneDx
Classification: Uncertain significance. Last evaluated: 2024-01-02. Review status: criteria provided, single submitter. Criteria: GeneDx Variant Classification Process June 2021. Collection method: clinical testing. Allele origin: germline.
Comment: In silico analysis supports that this missense variant does not alter protein structure/function; Has not been previously published as pathogenic or benign to our knowledge

Ambry Genetics
Classification: Likely benign for Inborn genetic diseases. Last evaluated: 2022-03-16. Review status: criteria provided, single submitter. Criteria: Ambry Variant Classification Scheme 2023. Collection method: clinical testing. Allele origin: germline.

Laboratory for Molecular Medicine, Mass General Brigham Personalized Medicine
Classification: Uncertain significance. Last evaluated: 2015-08-21. Review status: criteria provided, single submitter. Criteria: LMM Criteria. Collection method: clinical testing. Allele origin: germline. Observed: 2 variant alleles.
Comment: The p.Pro703Ala variant has not been previously reported in individuals with hea ring loss, but has been identified in 14/32612 European chromosomes by the Exome Aggregation Consortium (ExAC; dbSNP rs201433617 ). Although this variant has been seen in the general population, its frequency is not high enough to rule out a pathogenic role. Computational prediction tools and conservation analyses do not provide strong support for or against an impac t to the protein. In summary, the clinical significance of the p.Pro703Ala varia nt is uncertain.

Breakthrough Genomics
Classification: Uncertain significance. Review status: criteria provided, single submitter. Criteria: ACMG Guidelines, 2015. Collection method: not provided. Allele origin: germline. Inheritance: Autosomal recessive inheritance. Affected: yes.

Clinical Genetics DNA and cytogenetics Diagnostics Lab, Erasmus MC, Erasmus Medical Center
Classification: Likely benign. Review status: no assertion criteria provided. Collection method: clinical testing. Allele origin: germline. Affected: yes. Study: VKGL Data-share Consensus. Not counted in ClinVar's aggregate classification.

Joint Genome Diagnostic Labs from Nijmegen and Maastricht, Radboudumc and MUMC+
Classification: Likely benign. Review status: no assertion criteria provided. Collection method: clinical testing. Allele origin: germline. Affected: yes. Study: VKGL Data-share Consensus. Not counted in ClinVar's aggregate classification.

NM_005219.5(DIAPH1):c.2107C>G (p.Pro703Ala)

Gene: DIAPH1 (diaphanous related formin 1; minus strand). Cytogenetic location: 5q31.3.
Variant type: single nucleotide variant.
Coding change: c.2107C>G on transcript NM_005219.5 (MANE Select); coding-DNA position 2107, C replaced by G.
Protein change: p.Pro703Ala; replaces proline 703 with alanine.
Molecular consequence: missense variant.
Genome position (GRCh38, 1-based): chr5:141,573,743, G>C on the plus strand (C>G on the coding strand, the complement: DIAPH1 is on the minus strand). VCF-style: chr5-141573743-G-C. GRCh37 (hg19) VCF-style: chr5-140953310-G-C.
Other names: c.2080C>G, p.Pro694Ala (NM_001079812.3); c.2107C>G, p.Pro703Ala (NM_001314007.2); short protein forms P703A, P694A.
Identifiers: ClinVar variation 228575 (VCV000228575.20), dbSNP rs201433617, ClinGen allele CA3479156.